The following is an entry in ClinVar:

ClinVar aggregate classification (germline): Uncertain significance (1 of 4 stars; one submission).

Conditions:
Congenital disorder of glycosylation, type IIq. Also called: CDG IIq. Identifiers: Orphanet 435934, MedGen C4479353, MONDO:0054559, OMIM 617395.

Submission:

Labcorp Genetics (formerly Invitae), Labcorp
Classification: Uncertain significance for Congenital disorder of glycosylation, type IIq. Last evaluated: 2022-11-06. Review status: criteria provided, single submitter. Criteria: Invitae Variant Classification Sherloc (09022015). Collection method: clinical testing. Allele origin: germline.
Comment: In summary, the available evidence is currently insufficient to determine the role of this variant in disease. Therefore, it has been classified as a Variant of Uncertain Significance. Variants that disrupt the consensus splice site are a relatively common cause of aberrant splicing (PMID: 17576681, 9536098). Algorithms developed to predict the effect of sequence changes on RNA splicing suggest that this variant is not likely to affect RNA splicing. This variant has not been reported in the literature in individuals affected with COG2-related conditions. This variant is not present in population databases (gnomAD no frequency). This sequence change falls in intron 16 of the COG2 gene. It does not directly change the encoded amino acid sequence of the COG2 protein. It affects a nucleotide within the consensus splice site.

Literature cited by the submitters: PubMed 17576681; PubMed 9536098.

NM_007357.3(COG2):c.1935-3A>G

Gene: COG2 (component of oligomeric golgi complex 2; plus strand). Cytogenetic location: 1q42.2.
Variant type: single nucleotide variant.
Coding change: c.1935-3A>G on transcript NM_007357.3 (MANE Select); 3 bases into the intron before coding-DNA position 1935, A replaced by G.
Molecular consequence: intron variant.
Genome position (GRCh38, 1-based): chr1:230,691,381, A>G. VCF-style: chr1-230691381-A-G. GRCh37 (hg19) VCF-style: chr1-230827127-A-G.
Other names: c.1932-3A>G (NM_001145036.2).
Identifiers: ClinVar variation 2879028 (VCV002879028.3), dbSNP rs2527674976, ClinGen allele CA2739273956.